The following is an entry in ClinVar:

NM_000245.4(MET):c.716C>A (p.Pro239His)

Gene: MET (MET proto-oncogene, receptor tyrosine kinase; plus strand). Cytogenetic location: 7q31.2.
Variant type: single nucleotide variant.
Coding change: c.716C>A on transcript NM_000245.4 (MANE Select); coding-DNA position 716, C replaced by A.
Protein change: p.Pro239His; replaces proline 239 with histidine.
Molecular consequence: missense variant. On other transcripts: intron variant (1).
Genome position (GRCh38, 1-based): chr7:116,699,800, C>A. VCF-style: chr7-116699800-C-A. GRCh37 (hg19) VCF-style: chr7-116339854-C-A.
Other names: c.716C>A, p.Pro239His (NM_001127500.3, NM_001324401.3); c.-91+27223C>A (NM_001324402.2); short protein forms P239H.
Identifiers: ClinVar variation 3233008 (VCV003233008.1), dbSNP rs45551737, ClinGen allele CA368969690.

ClinVar aggregate classification (germline): Uncertain significance (1 of 4 stars; one submission).

Conditions:
Hereditary cancer-predisposing syndrome. Also called: Neoplastic Syndromes, Hereditary; Tumor predisposition; Hereditary neoplastic syndrome; Hereditary Cancer Syndrome. Identifiers: Orphanet 140162, MedGen C0027672, MeSH D009386, MONDO:0015356.

Submission:

Ambry Genetics
Classification: Uncertain significance for Hereditary cancer-predisposing syndrome. Last evaluated: 2024-02-12. Review status: criteria provided, single submitter. Criteria: Ambry Variant Classification Scheme 2023. Collection method: clinical testing. Allele origin: germline.
Comment: The p.P239H variant (also known as c.716C>A), located in coding exon 1 of the MET gene, results from a C to A substitution at nucleotide position 716. The proline at codon 239 is replaced by histidine, an amino acid with similar properties. This amino acid position is conserved. In addition, the in silico prediction for this alteration is inconclusive. Based on the available evidence, the clinical significance of this alteration remains unclear.